The following is an entry in ClinVar:

ClinVar aggregate classification (germline): Uncertain significance (1 of 4 stars; one submission).

gnomAD v4.1: 1 of 1,613,122 alleles (0.000062%); highest among the groups gnomAD compares: African/African-American, 0.0013%; no homozygotes.

Submission:

Labcorp Genetics (formerly Invitae), Labcorp
Classification: Uncertain significance. Last evaluated: 2021-05-16. Review status: criteria provided, single submitter. Criteria: Invitae Variant Classification Sherloc (09022015). Collection method: clinical testing. Allele origin: germline.
Comment: In summary, the available evidence is currently insufficient to determine the role of this variant in disease. Therefore, it has been classified as a Variant of Uncertain Significance. Algorithms developed to predict the effect of missense changes on protein structure and function (SIFT, PolyPhen-2, Align-GVGD) all suggest that this variant is likely to be tolerated, but these predictions have not been confirmed by published functional studies and their clinical significance is uncertain. This variant has not been reported in the literature in individuals with REST-related conditions. This variant is not present in population databases (ExAC no frequency). This sequence change replaces valine with phenylalanine at codon 698 of the REST protein (p.Val698Phe). The valine residue is weakly conserved and there is a small physicochemical difference between valine and phenylalanine.

NM_005612.5(REST):c.2092G>T (p.Val698Phe)

Gene: REST (RE1 silencing transcription factor; plus strand). Cytogenetic location: 4q12.
Variant type: single nucleotide variant.
Coding change: c.2092G>T on transcript NM_005612.5 (MANE Select); coding-DNA position 2092, G replaced by T.
Protein change: p.Val698Phe; replaces valine 698 with phenylalanine.
Molecular consequence: missense variant.
Genome position (GRCh38, 1-based): chr4:56,930,950, G>T. VCF-style: chr4-56930950-G-T. GRCh37 (hg19) VCF-style: chr4-57797116-G-T.
Other names: c.2092G>T, p.Val698Phe (NM_001193508.2, NM_001363453.3); short protein forms V698F.
Identifiers: ClinVar variation 1405502 (VCV001405502.8), dbSNP rs202161415, ClinGen allele CA357008059.